The following is an entry in ClinVar:

ClinVar aggregate classification (germline): Uncertain significance. Review status: criteria provided, multiple submitters, no conflicts (2 of 4 stars). 2 submissions from 2 submitters: Uncertain significance (2). Last evaluated 2022-04-19.

Conditions:
Hereditary cancer-predisposing syndrome. Also called: Hereditary neoplastic syndrome; Neoplastic Syndromes, Hereditary; Tumor predisposition; Hereditary Cancer Syndrome. Identifiers: Orphanet 140162, MedGen C0027672, MeSH D009386, MONDO:0015356.

Allele frequency attached by ClinVar (database versions not stated): gnomAD exomes below 0.00001.
gnomAD v4.1: 1 of 1,597,044 alleles (0.000063%); highest among the groups gnomAD compares: African/African-American, 0.0013%; no homozygotes.

Submissions (2):

GeneDx
Classification: Uncertain significance. Last evaluated: 2022-04-19. Review status: criteria provided, single submitter. Criteria: GeneDx Variant Classification Process June 2021. Collection method: clinical testing. Allele origin: germline. Affected: yes.
Comment: Not observed at significant frequency in large population cohorts (gnomAD); In silico analysis supports that this missense variant has a deleterious effect on protein structure/function; Has not been previously published as pathogenic or benign to our knowledge; This variant is associated with the following publications: (PMID: 23532176)

Ambry Genetics
Classification: Uncertain significance for Hereditary cancer-predisposing syndrome. Last evaluated: 2018-08-04. Review status: criteria provided, single submitter. Criteria: Ambry Variant Classification Scheme 2023. Collection method: clinical testing. Allele origin: germline.
Comment: The p.S1987P variant (also known as c.5959T>C), located in coding exon 39 of the ATM gene, results from a T to C substitution at nucleotide position 5959. The serine at codon 1987 is replaced by proline, an amino acid with similar properties. This amino acid position is well conserved in available vertebrate species. In addition, this alteration is predicted to be tolerated by in silico analysis. Since supporting evidence is limited at this time, the clinical significance of this alteration remains unclear.

NM_000051.4(ATM):c.5959T>C (p.Ser1987Pro)

Genes: ATM (ATM serine/threonine kinase; plus strand), C11orf65 (chromosome 11 open reading frame 65; minus strand). Cytogenetic location: 11q22.3.
Variant type: single nucleotide variant.
Coding change: c.5959T>C on transcript NM_000051.4 (MANE Select); coding-DNA position 5959, T replaced by C.
Protein change: p.Ser1987Pro; replaces serine 1987 with proline.
Molecular consequence: missense variant. On other transcripts: intron variant (2).
Genome position (GRCh38, 1-based): chr11:108,312,451, T>C. VCF-style: chr11-108312451-T-C. GRCh37 (hg19) VCF-style: chr11-108183178-T-C.
Other names: c.*39-3380A>G (NM_001351110.2); c.5959T>C, p.Ser1987Pro (NM_001351834.2); c.641-3380A>G (NM_001330368.2); short protein forms S1987P.
Identifiers: ClinVar variation 1712098 (VCV001712098.4), dbSNP rs1421604744, ClinGen allele CA382548709.